The following is an entry in ClinVar:

NM_002875.5(RAD51):c.472A>G (p.Met158Val)

Gene: RAD51 (RAD51 recombinase; plus strand). Cytogenetic location: 15q15.1.
Variant type: single nucleotide variant.
Coding change: c.472A>G on transcript NM_002875.5 (MANE Select); coding-DNA position 472, A replaced by G.
Protein change: p.Met158Val; replaces methionine 158 with valine.
Molecular consequence: missense variant.
Genome position (GRCh38, 1-based): chr15:40,718,841, A>G. VCF-style: chr15-40718841-A-G. GRCh37 (hg19) VCF-style: chr15-41011039-A-G.
Other names: c.475A>G, p.Met159Val (NM_001164269.2, NM_133487.4); c.472A>G, p.Met158Val (NM_001164270.2); short protein forms M159V, M158V.
Identifiers: ClinVar variation 1742700 (VCV001742700.2), dbSNP rs2504485921, ClinGen allele CA391753383.

ClinVar aggregate classification (germline): Uncertain significance (1 of 4 stars; one submission).

Conditions:
Inborn genetic diseases. Identifiers: MedGen C0950123, MeSH D030342.

Allele frequency attached by ClinVar (database versions not stated): gnomAD exomes below 0.00001.

Submission:

Ambry Genetics
Classification: Uncertain significance for Inborn genetic diseases. Last evaluated: 2022-01-05. Review status: criteria provided, single submitter. Criteria: Ambry Variant Classification Scheme 2023. Collection method: clinical testing. Allele origin: germline.
Comment: The p.M158V variant (also known as c.472A>G), located in coding exon 5 of the RAD51 gene, results from an A to G substitution at nucleotide position 472. The methionine at codon 158 is replaced by valine, an amino acid with highly similar properties. This amino acid position is conserved. In addition, the in silico prediction for this alteration is inconclusive. Since supporting evidence is limited at this time, the clinical significance of this alteration remains unclear.